The following is an entry in ClinVar:

NM_015409.5(EP400):c.9280G>A (p.Ala3094Thr)

Gene: EP400 (E1A binding protein p400; plus strand). Cytogenetic location: 12q24.33.
Variant type: single nucleotide variant.
Coding change: c.9280G>A on transcript NM_015409.5 (MANE Select); coding-DNA position 9280, G replaced by A.
Protein change: p.Ala3094Thr; replaces alanine 3094 with threonine.
Molecular consequence: missense variant.
Genome position (GRCh38, 1-based): chr12:132,077,581, G>A. VCF-style: chr12-132077581-G-A. GRCh37 (hg19) VCF-style: chr12-132562126-G-A.
Other names: short protein forms A3094T.
Identifiers: ClinVar variation 3060899 (VCV003060899.2), dbSNP rs73164912, ClinGen allele CA6887472.

ClinVar aggregate classification (germline): Benign (0 of 4 stars; one submission).

Conditions:
EP400-related disorder. Also called: EP400-related condition.

Allele frequency attached by ClinVar (database versions not stated): 1000 Genomes Project 0.08167; 1000 Genomes Project 30x 0.08588; TOPMed 0.12464; gnomAD 0.12577; ESP Exome Variant Server 0.13724.
gnomAD v4.1: 208,587 of 1,613,638 alleles (13%); highest among the groups gnomAD compares: Non-Finnish European, 14%; 14,549 homozygotes.

Submission:

PreventionGenetics, part of Exact Sciences
Classification: Benign for EP400-related condition. Last evaluated: 2019-10-21. Review status: no assertion criteria provided. Collection method: clinical testing. Allele origin: germline.
Comment: This variant is classified as benign based on ACMG/AMP sequence variant interpretation guidelines (Richards et al. 2015 PMID: 25741868, with internal and published modifications).